The following is an entry in ClinVar:

ClinVar aggregate classification (germline): Uncertain significance. Review status: criteria provided, multiple submitters, no conflicts (2 of 4 stars). 3 submissions from 3 submitters: Uncertain significance (3). Last evaluated 2024-05-20.

Conditions:
Xanthinuria type II. Also called: Xanthine dehydrogenase and aldehyde oxidase combined deficiency of; XDH and AOX dual deficiency. Identifiers: Orphanet 3467, Orphanet 93602, MedGen C1863688, MONDO:0011346, OMIM 603592.
Hereditary xanthinuria type 1 (XAN1). Identifiers: Orphanet 3467, Orphanet 93601, MedGen C0268118, MONDO:0010209, OMIM 278300.

Allele frequency attached by ClinVar (database versions not stated): gnomAD 0.00001; TOPMed 0.00001; gnomAD exomes 0.00002 and 0.00003; ExAC 0.00003.
gnomAD v4.1: 51 of 1,613,750 alleles (0.0032%); highest among the groups gnomAD compares: Middle Eastern, 0.05%; no homozygotes.

Submissions (3):

Fulgent Genetics
Classification: Uncertain significance for Hereditary xanthinuria type 1. Last evaluated: 2024-05-20. Review status: criteria provided, single submitter. Criteria: ACMG Guidelines, 2015. Collection method: clinical testing. Allele origin: germline.

Labcorp Genetics (formerly Invitae), Labcorp
Classification: Uncertain significance for Xanthinuria type II. Last evaluated: 2021-09-15. Review status: criteria provided, single submitter. Criteria: Invitae Variant Classification Sherloc (09022015). Collection method: clinical testing. Allele origin: germline.
Comment: This sequence change replaces valine with methionine at codon 486 of the XDH protein (p.Val486Met). The valine residue is moderately conserved and there is a small physicochemical difference between valine and methionine. This variant is present in population databases (rs750077909, ExAC 0.01%). This variant has not been reported in the literature in individuals affected with XDH-related conditions. ClinVar contains an entry for this variant (Variation ID: 1030752). Algorithms developed to predict the effect of missense changes on protein structure and function are either unavailable or do not agree on the potential impact of this missense change (SIFT: "Deleterious"; PolyPhen-2: "Benign"; Align-GVGD: "Class C0"). In summary, the available evidence is currently insufficient to determine the role of this variant in disease. Therefore, it has been classified as a Variant of Uncertain Significance.

Baylor Genetics
Classification: Uncertain significance for Hereditary xanthinuria type 1. Last evaluated: 2019-10-25. Review status: criteria provided, single submitter. Criteria: ACMG Guidelines, 2015. Collection method: clinical testing. Allele origin: unknown. Affected: yes.
Comment: This variant was determined to be of uncertain significance according to ACMG Guidelines, 2015 [PMID:25741868].

NM_000379.4(XDH):c.1456G>A (p.Val486Met)

Gene: XDH (xanthine dehydrogenase; minus strand). Cytogenetic location: 2p23.1.
Variant type: single nucleotide variant.
Coding change: c.1456G>A on transcript NM_000379.4 (MANE Select); coding-DNA position 1456, G replaced by A.
Protein change: p.Val486Met; replaces valine 486 with methionine.
Molecular consequence: missense variant.
Genome position (GRCh38, 1-based): chr2:31,375,526, C>T on the plus strand (G>A on the coding strand, the complement: XDH is on the minus strand). VCF-style: chr2-31375526-C-T. GRCh37 (hg19) VCF-style: chr2-31598392-C-T.
Other names: short protein forms V486M.
Identifiers: ClinVar variation 1030752 (VCV001030752.5), dbSNP rs750077909, ClinGen allele CA1599224.